The following is an entry in ClinVar:

ClinVar aggregate classification (germline): Benign (1 of 4 stars; one submission).

Conditions:
Autoimmune lymphoproliferative syndrome type 2A (ALPS2A). Also called: CASP10-Related Autoimmune Lymphoproliferative Syndrome; Autoimmune lymphoproliferative syndrome type 2; AUTOIMMUNE LYMPHOPROLIFERATIVE SYNDROME, TYPE IIA. Identifiers: Orphanet 3261, MedGen C1858968, MONDO:0011383, OMIM 603909.

Allele frequency attached by ClinVar (database versions not stated): gnomAD 0.06590 and 0.06139; TOPMed 0.06925; 1000 Genomes Project 30x 0.07558; 1000 Genomes Project 0.06929.

Submission:

Illumina Laboratory Services, Illumina
Classification: Benign for Autoimmune lymphoproliferative syndrome type 2A. Last evaluated: 2018-01-13. Review status: criteria provided, single submitter. Criteria: ICSL Variant Classification Criteria 13 December 2019. Collection method: clinical testing. Allele origin: germline.
Comment: This variant was observed in the ICSL laboratory as part of a predisposition screen in an ostensibly healthy population. It had not been previously curated by ICSL or reported in the Human Gene Mutation Database (HGMD: prior to June 1st, 2018), and was therefore a candidate for classification through an automated scoring system. Utilizing variant allele frequency, disease prevalence and penetrance estimates, and inheritance mode, an automated score was calculated to assess if this variant is too frequent to cause the disease. Based on the score and internal cut-off values, a variant classified as benign is not then subjected to further curation. The score for this variant resulted in a classification of benign for this disease.

NM_032977.3(CASP10):c.-360T>C

Gene: CASP10 (caspase 10; plus strand). Cytogenetic location: 2q33.1.
Variant type: single nucleotide variant.
Coding change: c.-360T>C on transcript NM_032977.3; 360 bases upstream of the start codon, T replaced by C.
Genome position (GRCh38, 1-based): chr2:201,182,956, T>C. VCF-style: chr2-201182956-T-C. GRCh37 (hg19) VCF-style: chr2-202047679-T-C.
Identifiers: ClinVar variation 333412 (VCV000333412.7), dbSNP rs41429849, ClinGen allele CA10612324.